The following is an entry in ClinVar:

ClinVar aggregate classification (germline): Conflicting classifications of pathogenicity. Review status: criteria provided, conflicting classifications (1 of 4 stars). 12 submissions from 12 submitters: Pathogenic (1); Likely pathogenic (4); Uncertain significance (5). 2 of the submissions do not count toward it. Last evaluated 2025-06-06.

Conditions:
MYO7A-related disorder. Also called: MYO7A-related disorders.
Usher syndrome. Also called: Usher Syndromes; Usher's syndrome. Identifiers: Orphanet 886, MedGen CN469326, MeSH D052245, MONDO:0019501. Disease mechanism: loss of function.
Usher syndrome type 1 (USH1). Also called: RETINITIS PIGMENTOSA AND CONGENITAL DEAFNESS. Identifiers: Orphanet 231169, Orphanet 886, MedGen C1568247, MONDO:0010168, OMIM 276900.
Autosomal recessive nonsyndromic hearing loss 2. Also called: NEUROSENSORY NONSYNDROMIC RECESSIVE DEAFNESS 2; DEAFNESS, AUTOSOMAL RECESSIVE 2. Identifiers: Orphanet 90636, MedGen C1838701, MONDO:0010807, OMIM 600060.
Autosomal dominant nonsyndromic hearing loss 11. Identifiers: Orphanet 90635, MedGen C1832475, MONDO:0011032, OMIM 601317.
Usher syndrome type 1B (USH1B). Also called: Usher syndrome type IB. Identifiers: MedGen C1848638, MONDO:0700087.

gnomAD v4.1: 7 of 1,611,512 alleles (0.00043%); highest among the groups gnomAD compares: South Asian, 0.0066%; no homozygotes.

Submissions (12):

Myriad Genetics, Inc.
Classification: Likely pathogenic for Usher syndrome type 1. Last evaluated: 2025-06-06. Review status: criteria provided, single submitter. Criteria: Myriad Autosomal Dominant, Autosomal Recessive and X-Linked Classification Criteria (2023). Collection method: clinical testing. Allele origin: unknown.
Comment: NM_000260.3(MYO7A):c.5824G>A(G1942R) is a missense variant classified as likely pathogenic in the context of MYO7A-related disorders. G1942R has been observed in cases with relevant disease (PMID: 21117948, 32853555, 27460420, 37217689). Relevant functional assessments of this variant are not available in the literature. Internal structural analysis of the variant is supportive of pathogenicity. G1942R has been observed in referenced population frequency databases. In summary, NM_000260.3(MYO7A):c.5824G>A(G1942R) is a missense variant that has internal structural support for pathogenicity and has been observed more frequently in cases with the relevant disease than in healthy populations. Please note: this variant was assessed in the context of healthy population screening.

Fulgent Genetics
Classification: Likely pathogenic for Usher syndrome type 1; Autosomal recessive nonsyndromic hearing loss 2; Autosomal dominant nonsyndromic hearing loss 11. Last evaluated: 2024-04-05. Review status: criteria provided, single submitter. Criteria: ACMG Guidelines, 2015. Collection method: clinical testing. Allele origin: germline.

Labcorp Genetics (formerly Invitae), Labcorp
Classification: Likely pathogenic. Last evaluated: 2024-02-14. Review status: criteria provided, single submitter. Criteria: Invitae Variant Classification Sherloc (09022015). Collection method: clinical testing. Allele origin: germline.
Comment: This sequence change replaces glycine, which is neutral and non-polar, with arginine, which is basic and polar, at codon 1942 of the MYO7A protein (p.Gly1942Arg). The frequency data for this variant in the population databases is considered unreliable, as metrics indicate poor data quality at this position in the gnomAD database. This missense change has been observed in individuals with autosomal recessive deafness and/or autosomal recessive Usher syndrome (PMID: 21117948, 27460420, 32853555). ClinVar contains an entry for this variant (Variation ID: 43299). Advanced modeling of protein sequence and biophysical properties (such as structural, functional, and spatial information, amino acid conservation, physicochemical variation, residue mobility, and thermodynamic stability) performed at Invitae indicates that this missense variant is expected to disrupt MYO7A protein function with a positive predictive value of 95%. In summary, the currently available evidence indicates that the variant is pathogenic, but additional data are needed to prove that conclusively. Therefore, this variant has been classified as Likely Pathogenic.

SN ONGC Dept of Genetics and Molecular biology Vision Research Foundation
Classification: Pathogenic for Usher syndrome. Last evaluated: 2022-12-31. Review status: criteria provided, single submitter. Criteria: ACMG Guidelines, 2015. Collection method: research. Allele origin: unknown. Affected: yes. Observed: 1 variant allele, 1 homozygote.

GeneDx
Classification: Uncertain significance. Last evaluated: 2022-12-20. Review status: criteria provided, single submitter. Criteria: GeneDx Variant Classification Process June 2021. Collection method: clinical testing. Allele origin: germline. Affected: yes.
Comment: Not observed at a significant frequency in large population cohorts (gnomAD); In silico analysis supports that this missense variant has a deleterious effect on protein structure/function; This variant is associated with the following publications: (PMID: 25525159, 27460420, 30245029, 21117948, 32853555, 33671976)

CeGaT Center for Human Genetics Tuebingen
Classification: Likely pathogenic. Last evaluated: 2021-03-01. Review status: criteria provided, single submitter. Criteria: CeGaT Center For Human Genetics Tuebingen Variant Classification Criteria Version 2. Collection method: clinical testing. Allele origin: germline. Affected: yes. Observed: 1 variant allele.

Blueprint Genetics
Classification: Uncertain significance. Last evaluated: 2020-02-19. Review status: criteria provided, single submitter. Criteria: ACMG Guidelines, 2015. Collection method: clinical testing. Allele origin: germline.

Revvity Omics, Revvity
Classification: Uncertain significance. Last evaluated: 2019-02-27. Review status: criteria provided, single submitter. Criteria: ACMG Guidelines, 2015. Collection method: clinical testing. Allele origin: germline.

Laboratory for Molecular Medicine, Mass General Brigham Personalized Medicine
Classification: Uncertain significance. Last evaluated: 2008-03-01. Review status: criteria provided, single submitter. Criteria: LMM Criteria. Collection method: clinical testing. Allele origin: germline. Observed: 3 variant alleles.

UNC Molecular Genetics  Laboratory, University of North Carolina at Chapel Hill
Classification: Uncertain significance for MYO7A-Related Disorders. Review status: criteria provided, single submitter. Criteria: ACMG Guidelines, 2015. Collection method: research. Allele origin: germline. Affected: yes. Observed: 1 variant allele. Study: NSIGHT-NC NEXUS.
Comment: MYO7A c.5824G>A (p.G1942R) missense variant has been reported in one family with autosomal recessive nonsyndromic deafness (PMID: 21117948). This variant has also been reported in the compound heterozygous state in one individual with Usher syndrome (PMID: 27460420).

Natera, Inc.
Classification: Uncertain significance for Usher syndrome type 1B. Last evaluated: 2020-07-08. Review status: no assertion criteria provided. Collection method: clinical testing. Allele origin: germline. Not counted in ClinVar's aggregate classification.

Counsyl
Classification: Uncertain significance for Usher syndrome type 1; Autosomal recessive nonsyndromic hearing loss 2. Last evaluated: 2017-12-14. Review status: no assertion criteria provided. Collection method: clinical testing. Allele origin: unknown. Not counted in ClinVar's aggregate classification.

Literature cited by the submitters: PubMed 21117948 (cited by 4 submitters); PubMed 27460420 (cited by 4 submitters); PubMed 32853555 (cited by Myriad Genetics, Inc. and Labcorp Genetics (formerly Invitae), Labcorp); PubMed 37217689 (cited by Myriad Genetics, Inc.).

NM_000260.4(MYO7A):c.5824G>A (p.Gly1942Arg)

Gene: MYO7A (myosin VIIA; plus strand). Cytogenetic location: 11q13.5.
Variant type: single nucleotide variant.
Coding change: c.5824G>A on transcript NM_000260.4 (MANE Select); coding-DNA position 5824, G replaced by A.
Protein change: p.Gly1942Arg; replaces glycine 1942 with arginine.
Molecular consequence: missense variant.
Genome position (GRCh38, 1-based): chr11:77,207,370, G>A. VCF-style: chr11-77207370-G-A. GRCh37 (hg19) VCF-style: chr11-76918415-G-A.
Other names: c.5710G>A, p.Gly1904Arg (NM_001127180.2); c.5677G>A, p.Gly1893Arg (NM_001369365.1); short protein forms G1942R, G1893R, G1904R.
Identifiers: ClinVar variation 43299 (VCV000043299.75), dbSNP rs111033192, ClinGen allele CA132400.
Genomic context (GRCh38, chr11:77,207,370, plus strand): 5'-ACCAAGGCCAAGGACTTCTGCCAGAACATCGCCACCAGGCTGCTCCTCAAGTCCTCAGAG[G>A]GATTCAGCCTCTTTGTCAAAATTGCAGACAAGGTGGGTCCTTTGCCACCTTCGCCAAGGT-3'
Protein context (NP_000251.3, residues 1932-1952): ATRLLLKSSE[Gly1942Arg]FSLFVKIADK